The following is an entry in ClinVar:

ClinVar aggregate classification (germline): Likely pathogenic (1 of 4 stars; one submission).

Conditions:
Intellectual developmental disorder, autosomal dominant 76. Identifiers: MedGen C6012756, MONDO:0979575, OMIM 621285.

Submission:

Juno Genomics, Hangzhou Juno Genomics, Inc
Classification: Likely pathogenic for Intellectual developmental disorder, autosomal dominant 76. Review status: criteria provided, single submitter. Criteria: ACMG Guidelines, 2015. Collection method: clinical testing. Allele origin: germline. Affected: yes.
Comment: Absent from controls (or at extremely low frequency if recessive) in Genome Aggregation Database.;Null variant in a gene where loss of function (LOF) is a known mechanism of disease.

NM_001039469.3(MARK2):c.988+2T>C

Gene: MARK2 (microtubule affinity regulating kinase 2; plus strand). Cytogenetic location: 11q13.1.
Variant type: single nucleotide variant.
Coding change: c.988+2T>C on transcript NM_001039469.3 (MANE Select); the canonical splice donor site of the intron after coding-DNA position 988, T replaced by C.
Molecular consequence: splice donor variant.
Genome position (GRCh38, 1-based): chr11:63,900,881, T>C. VCF-style: chr11-63900881-T-C. GRCh37 (hg19) VCF-style: chr11-63668353-T-C.
Other names: c.988+2T>C (NM_001163296.2, NM_004954.5, NM_001163297.2); c.889+2T>C (NM_017490.4).
Identifiers: ClinVar variation 5019852 (VCV005019852.1).